The following is an entry in ClinVar:

NM_001256545.2(MEGF10):c.1426+3A>T

Gene: MEGF10 (multiple EGF like domains 10; plus strand). Cytogenetic location: 5q23.2.
Variant type: single nucleotide variant.
Coding change: c.1426+3A>T on transcript NM_001256545.2 (MANE Select); 3 bases into the intron after coding-DNA position 1426, A replaced by T.
Molecular consequence: intron variant.
Genome position (GRCh38, 1-based): chr5:127,419,243, A>T. VCF-style: chr5-127419243-A-T. GRCh37 (hg19) VCF-style: chr5-126754935-A-T.
Other names: c.1426+3A>T (NM_032446.3, NM_001308119.2, NM_001308121.2).
Identifiers: ClinVar variation 1378959 (VCV001378959.6), dbSNP rs191468697, ClinGen allele CA2573138716.
Genomic context (GRCh38, chr5:127,419,243, plus strand): 5'-GGCTGTAAAAATGATGCAGTCTGCTCTCCTGTGGACGGGTCTTGTACTTGCAAGGCAGGT[A>T]AGAATGGGTAAATAAGTCTTTAATTTGATCCTGGTCACGTTATCTCCTAAAGACACAAAA-3'

ClinVar aggregate classification (germline): Uncertain significance (1 of 4 stars; one submission).

Conditions:
MEGF10-related myopathy (CMYO10A). Also called: Congenital myopathy 10A, severe variant. Identifiers: Orphanet 439212, MedGen C3280679, MONDO:0013731, OMIM 614399.

Submission:

Labcorp Genetics (formerly Invitae), Labcorp
Classification: Uncertain significance for MEGF10-related myopathy. Last evaluated: 2021-08-31. Review status: criteria provided, single submitter. Criteria: Invitae Variant Classification Sherloc (09022015). Collection method: clinical testing. Allele origin: germline.
Comment: This variant has not been reported in the literature in individuals affected with MEGF10-related conditions. This variant is not present in population databases (ExAC no frequency). This sequence change falls in intron 12 of the MEGF10 gene. It does not directly change the encoded amino acid sequence of the MEGF10 protein. It affects a nucleotide within the consensus splice site of the intron. Variants that disrupt the consensus splice site are a relatively common cause of aberrant splicing (PMID: 17576681, 9536098). Algorithms developed to predict the effect of sequence changes on RNA splicing suggest that this variant may disrupt the consensus splice site. In summary, the available evidence is currently insufficient to determine the role of this variant in disease. Therefore, it has been classified as a Variant of Uncertain Significance.

Literature cited by the submitters: PubMed 17576681; PubMed 9536098.